The following is an entry in ClinVar:

ClinVar aggregate classification (germline): Uncertain significance (1 of 4 stars; one submission).

Submission:

Greenwood Genetic Center Diagnostic Laboratories, Greenwood Genetic Center
Classification: Uncertain significance. Last evaluated: 2026-04-17. Review status: criteria provided, single submitter. Criteria: ACMG Guidelines, 2015. Collection method: clinical testing. Allele origin: germline.
Comment: PM2, BP4

NM_002025.4(AFF2):c.1817A>C (p.Glu606Ala)

Gene: AFF2 (ALF transcription elongation factor 2; plus strand). Cytogenetic location: Xq28.
Variant type: single nucleotide variant.
Coding change: c.1817A>C on transcript NM_002025.4 (MANE Select); coding-DNA position 1817, A replaced by C.
Protein change: p.Glu606Ala; replaces glutamic acid 606 with alanine.
Molecular consequence: missense variant.
Genome position (GRCh38, 1-based): chrX:148,955,862, A>C. VCF-style: chrX-148955862-A-C. GRCh37 (hg19) VCF-style: chrX-148037392-A-C.
Other names: c.1718A>C, p.Glu573Ala (NM_001169122.2); c.1787A>C, p.Glu596Ala (NM_001169123.2); c.1712A>C, p.Glu571Ala (NM_001169124.2); c.1700A>C, p.Glu567Ala (NM_001169125.2); c.740A>C, p.Glu247Ala (NM_001170628.1); short protein forms E247A, E567A, E571A, E573A, E596A, E606A.
Identifiers: ClinVar variation 4891229 (VCV004891229.1).